The following is an entry in ClinVar:

ClinVar aggregate classification (germline): Uncertain significance (1 of 4 stars; one submission).

Allele frequency attached by ClinVar (database versions not stated): TOPMed below 0.00001; gnomAD 0.00001; gnomAD exomes 0.00001; ExAC 0.00002.
gnomAD v4.1: 9 of 1,612,928 alleles (0.00056%); highest among the groups gnomAD compares: Admixed American, 0.005%; no homozygotes.

Submission:

Labcorp Genetics (formerly Invitae), Labcorp
Classification: Uncertain significance. Last evaluated: 2024-10-21. Review status: criteria provided, single submitter. Criteria: Invitae Variant Classification Sherloc (09022015). Collection method: clinical testing. Allele origin: germline.
Comment: This sequence change replaces lysine, which is basic and polar, with glutamic acid, which is acidic and polar, at codon 119 of the PAM16 protein (p.Lys119Glu). This variant is present in population databases (rs761627852, gnomAD 0.003%). This variant has not been reported in the literature in individuals affected with PAM16-related conditions. ClinVar contains an entry for this variant (Variation ID: 1505935). An algorithm developed to predict the effect of missense changes on protein structure and function (PolyPhen-2) suggests that this variant¬†is likely to be tolerated. Algorithms developed to predict the effect of sequence changes on RNA splicing suggest that this variant may create or strengthen a splice site. In summary, the available evidence is currently insufficient to determine the role of this variant in disease. Therefore, it has been classified as a Variant of Uncertain Significance.

NM_016069.11(PAM16):c.355A>G (p.Lys119Glu)

Genes: CORO7-PAM16 (CORO7-PAM16 readthrough; minus strand), PAM16 (presequence translocase associated motor 16; minus strand). Cytogenetic location: 16p13.3.
Variant type: single nucleotide variant.
Coding change: c.355A>G on transcript NM_016069.11 (MANE Select); coding-DNA position 355, A replaced by G.
Protein change: p.Lys119Glu; replaces lysine 119 with glutamic acid.
Molecular consequence: missense variant.
Genome position (GRCh38, 1-based): chr16:4,340,342, T>C on the plus strand (A>G on the coding strand, the complement: PAM16 is on the minus strand). VCF-style: chr16-4340342-T-C. GRCh37 (hg19) VCF-style: chr16-4390343-T-C.
Other names: c.3124A>G, p.Lys1042Glu (NM_001201479.2); short protein forms K1042E, K119E.
Identifiers: ClinVar variation 1505935 (VCV001505935.5), dbSNP rs761627852, ClinGen allele CA7873340.